The following is an entry in ClinVar:

ClinVar aggregate classification (germline): Benign. Review status: criteria provided, multiple submitters, no conflicts (2 of 4 stars). 6 submissions from 6 submitters: Benign (6). Last evaluated 2026-09-01.

Allele frequency attached by ClinVar (database versions not stated): gnomAD 0.00838 and 0.00821; TOPMed 0.00869; gnomAD exomes 0.00971 and 0.01106; ExAC 0.00989; ESP Exome Variant Server 0.01053; 1000 Genomes Project 0.00359; 1000 Genomes Project 30x 0.00375.
gnomAD v4.1: 17,534 of 1,612,428 alleles (1.1%); highest among the groups gnomAD compares: Middle Eastern, 3.6%; 140 homozygotes.

Submissions (6):

CeGaT Center for Human Genetics Tuebingen
Classification: Benign. Last evaluated: 2026-09-01. Review status: criteria provided, single submitter. Criteria: CeGaT Center For Human Genetics Tuebingen Variant Classification Criteria Version 2. Collection method: clinical testing. Allele origin: germline. Affected: yes. Observed: 13 variant alleles.
Comment: S1PR2: BP4, BS1, BS2

Labcorp Genetics (formerly Invitae), Labcorp
Classification: Benign. Last evaluated: 2026-02-01. Review status: criteria provided, single submitter. Criteria: Invitae Variant Classification Sherloc (09022015). Collection method: clinical testing. Allele origin: germline.

Mayo Clinic Laboratories, Mayo Clinic
Classification: Benign. Last evaluated: 2021-03-15. Review status: criteria provided, single submitter. Criteria: ACMG Guidelines, 2015. Collection method: clinical testing. Allele origin: germline. Observed: 7 variant alleles.

GeneDx
Classification: Benign. Last evaluated: 2019-02-26. Review status: criteria provided, single submitter. Criteria: GeneDx Variant Classification Process June 2021. Collection method: clinical testing. Allele origin: germline. Affected: yes.

Laboratory for Molecular Medicine, Mass General Brigham Personalized Medicine
Classification: Benign. Last evaluated: 2017-08-23. Review status: criteria provided, single submitter. Criteria: LMM Criteria. Collection method: clinical testing. Allele origin: germline. Observed: 5 variant alleles.
Comment: p.Asn10Lys in exon 2 of S1PR2: This variant is not expected to have clinical sig nificance because it has been identified in 1.44% (947/65886) of European chromo somes by the Exome Aggregation Consortium (ExAC; dbSNP rs56357614).

Breakthrough Genomics
Classification: Benign. Review status: criteria provided, single submitter. Criteria: ACMG Guidelines, 2015. Collection method: not provided. Allele origin: germline. Inheritance: Autosomal recessive inheritance. Affected: yes.

NM_004230.4(S1PR2):c.30C>A (p.Asn10Lys)

Gene: S1PR2 (sphingosine-1-phosphate receptor 2; minus strand). Cytogenetic location: 19p13.2.
Variant type: single nucleotide variant.
Coding change: c.30C>A on transcript NM_004230.4 (MANE Select); coding-DNA position 30, C replaced by A.
Protein change: p.Asn10Lys; replaces asparagine 10 with lysine.
Molecular consequence: missense variant.
Genome position (GRCh38, 1-based): chr19:10,224,876, G>T on the plus strand (C>A on the coding strand, the complement: S1PR2 is on the minus strand). VCF-style: chr19-10224876-G-T. GRCh37 (hg19) VCF-style: chr19-10335552-G-T.
Other names: p.Asn10Lys; short protein forms N10K.
Identifiers: ClinVar variation 508615 (VCV000508615.44), dbSNP rs56357614, ClinGen allele CA9189168.